The following is an entry in ClinVar:

NM_003846.3(PEX11B):c.178C>T (p.Arg60Cys)

Gene: PEX11B (peroxisomal biogenesis factor 11 beta; minus strand). Cytogenetic location: 1q21.1.
Variant type: single nucleotide variant.
Coding change: c.178C>T on transcript NM_003846.3 (MANE Select); coding-DNA position 178, C replaced by T.
Protein change: p.Arg60Cys; replaces arginine 60 with cysteine.
Molecular consequence: missense variant. On other transcripts: non-coding transcript variant (3).
Genome position (GRCh38, 1-based): chr1:145,917,013, G>A on the plus strand (C>T on the coding strand, the complement: PEX11B is on the minus strand). VCF-style: chr1-145917013-G-A. GRCh37 (hg19) VCF-style: chr1-145518076-C-T.
Other names: c.136C>T, p.Arg46Cys (NM_001184795.1); c.178C>T (NM_003846.2); short protein forms R46C, R60C.
Identifiers: ClinVar variation 1493944 (VCV001493944.8), dbSNP rs781880014, ClinGen allele CA1055538.

ClinVar aggregate classification (germline): Uncertain significance. Review status: criteria provided, multiple submitters, no conflicts (2 of 4 stars). 3 submissions from 3 submitters: Uncertain significance (2). 1 of the submissions does not count toward it. Last evaluated 2025-08-09.

Conditions:
PEX11B-related disorder. Also called: PEX11B-related condition.
Inborn genetic diseases. Identifiers: MedGen C0950123, MeSH D030342.

Allele frequency attached by ClinVar (database versions not stated): ExAC 0.00005; gnomAD exomes 0.00005 and 0.00006; TOPMed 0.00006; gnomAD 0.00007 and 0.00008.
gnomAD v4.1: 76 of 1,606,212 alleles (0.0047%); highest among the groups gnomAD compares: African/African-American, 0.011%; no homozygotes.

Submissions (3):

Ambry Genetics
Classification: Uncertain significance for Inborn genetic diseases. Last evaluated: 2025-08-09. Review status: criteria provided, single submitter. Criteria: Ambry Variant Classification Scheme 2023. Collection method: clinical testing. Allele origin: germline.

Labcorp Genetics (formerly Invitae), Labcorp
Classification: Uncertain significance. Last evaluated: 2022-07-01. Review status: criteria provided, single submitter. Criteria: Invitae Variant Classification Sherloc (09022015). Collection method: clinical testing. Allele origin: germline.
Comment: This sequence change replaces arginine, which is basic and polar, with cysteine, which is neutral and slightly polar, at codon 60 of the PEX11B protein (p.Arg60Cys). This variant is present in population databases (rs781880014, gnomAD 0.02%). This variant has not been reported in the literature in individuals affected with PEX11B-related conditions. ClinVar contains an entry for this variant (Variation ID: 1493944). Algorithms developed to predict the effect of missense changes on protein structure and function are either unavailable or do not agree on the potential impact of this missense change (SIFT: "Deleterious"; PolyPhen-2: "Probably Damaging"; Align-GVGD: "Class C15"). Algorithms developed to predict the effect of sequence changes on RNA splicing suggest that this variant may create or strengthen a splice site. In summary, the available evidence is currently insufficient to determine the role of this variant in disease. Therefore, it has been classified as a Variant of Uncertain Significance.

PreventionGenetics, part of Exact Sciences
Classification: Uncertain significance for PEX11B-related condition. Last evaluated: 2024-07-31. Review status: no assertion criteria provided. Collection method: clinical testing. Allele origin: germline. Not counted in ClinVar's aggregate classification.
Comment: The PEX11B c.178C>T variant is predicted to result in the amino acid substitution p.Arg60Cys. To our knowledge, this variant has not been reported in the literature. This variant is reported in 0.020% of alleles in individuals of African descent in gnomAD. At this time, the clinical significance of this variant is uncertain due to the absence of conclusive functional and genetic evidence.